The following is an entry in ClinVar:

ClinVar aggregate classification (germline): Uncertain significance. Review status: criteria provided, multiple submitters, no conflicts (2 of 4 stars). 2 submissions from 2 submitters: Uncertain significance (2). Last evaluated 2025-09-14.

Conditions:
Cardiovascular phenotype. Identifiers: MedGen CN230736.
Hypertrophic cardiomyopathy 14. Identifiers: MedGen C2750467, MONDO:0013197, OMIM 613251.

Allele frequency attached by ClinVar (database versions not stated): ExAC 0.00001; gnomAD 0.00003.

Submissions (2):

Labcorp Genetics (formerly Invitae), Labcorp
Classification: Uncertain significance for Hypertrophic cardiomyopathy 14. Last evaluated: 2025-09-14. Review status: criteria provided, single submitter. Criteria: Invitae Variant Classification Sherloc (09022015). Collection method: clinical testing. Allele origin: germline.
Comment: This sequence change replaces methionine, which is neutral and non-polar, with valine, which is neutral and non-polar, at codon 1842 of the MYH6 protein (p.Met1842Val). This variant is present in population databases (rs754070802, gnomAD 0.02%). This variant has not been reported in the literature in individuals affected with MYH6-related conditions. ClinVar contains an entry for this variant (Variation ID: 1403605). Invitae Evidence Modeling of protein sequence and biophysical properties (such as structural, functional, and spatial information, amino acid conservation, physicochemical variation, residue mobility, and thermodynamic stability) indicates that this missense variant is not expected to disrupt MYH6 protein function with a negative predictive value of 80%. In summary, the available evidence is currently insufficient to determine the role of this variant in disease. Therefore, it has been classified as a Variant of Uncertain Significance.

Ambry Genetics
Classification: Uncertain significance for Cardiovascular phenotype. Last evaluated: 2023-11-29. Review status: criteria provided, single submitter. Criteria: Ambry Variant Classification Scheme 2023. Collection method: clinical testing. Allele origin: germline.
Comment: The p.M1842V variant (also known as c.5524A>G), located in coding exon 34 of the MYH6 gene, results from an A to G substitution at nucleotide position 5524. The methionine at codon 1842 is replaced by valine, an amino acid with highly similar properties. This amino acid position is not well conserved in available vertebrate species, and valine is the reference amino acid in other vertebrate species. In addition, this alteration is predicted to be tolerated by in silico analysis. Since supporting evidence is limited at this time, the clinical significance of this alteration remains unclear.

NM_002471.4(MYH6):c.5524A>G (p.Met1842Val)

Gene: MYH6 (myosin heavy chain 6; minus strand). Cytogenetic location: 14q11.2.
Variant type: single nucleotide variant.
Coding change: c.5524A>G on transcript NM_002471.4 (MANE Select); coding-DNA position 5524, A replaced by G.
Protein change: p.Met1842Val; replaces methionine 1842 with valine.
Molecular consequence: missense variant.
Genome position (GRCh38, 1-based): chr14:23,384,483, T>C on the plus strand (A>G on the coding strand, the complement: MYH6 is on the minus strand). VCF-style: chr14-23384483-T-C. GRCh37 (hg19) VCF-style: chr14-23853692-T-C.
Other names: short protein forms M1842V.
Identifiers: ClinVar variation 1403605 (VCV001403605.6), dbSNP rs754070802, ClinGen allele CA7114410.